The following is an entry in ClinVar:

NM_198576.4(AGRN):c.3366C>T (p.Asp1122=)

Gene: AGRN (agrin; plus strand). Cytogenetic location: 1p36.33.
Variant type: single nucleotide variant.
Coding change: c.3366C>T on transcript NM_198576.4 (MANE Select); coding-DNA position 3366, C replaced by T.
Protein change: p.Asp1122=; no amino-acid change (aspartic acid 1122 retained).
Molecular consequence: synonymous variant.
Genome position (GRCh38, 1-based): chr1:1,046,935, C>T. VCF-style: chr1-1046935-C-T. GRCh37 (hg19) VCF-style: chr1-982315-C-T.
Other names: c.3366C>T, p.Asp1122= (NM_001305275.2); c.3051C>T, p.Asp1017= (NM_001364727.2).
Identifiers: ClinVar variation 772714 (VCV000772714.33), dbSNP rs374090990, ClinGen allele CA509029.

ClinVar aggregate classification (germline): Likely benign. Review status: criteria provided, multiple submitters, no conflicts (2 of 4 stars). 2 submissions from 2 submitters: Likely benign (2). Last evaluated 2025-11-03.

Conditions:
Congenital myasthenic syndrome 8. Also called: Myasthenic syndrome, congenital, 8, with pre- and postsynaptic defects; MYASTHENIC SYNDROME, CONGENITAL, DUE TO AGRIN DEFICIENCY. Identifiers: Orphanet 590, MedGen C3808739, MONDO:0014052, OMIM 615120.

Allele frequency attached by ClinVar (database versions not stated): gnomAD 0.00004; TOPMed 0.00006; gnomAD exomes 0.00007 and 0.00016; ESP Exome Variant Server 0.00015; 1000 Genomes Project 30x 0.00016; ExAC 0.00033.
gnomAD v4.1: 102 of 1,580,396 alleles (0.0065%); highest among the groups gnomAD compares: East Asian, 0.039%; no homozygotes.

Submissions (2):

Labcorp Genetics (formerly Invitae), Labcorp
Classification: Likely benign for Congenital myasthenic syndrome 8. Last evaluated: 2025-11-03. Review status: criteria provided, single submitter. Criteria: Invitae Variant Classification Sherloc (09022015). Collection method: clinical testing. Allele origin: germline.

CeGaT Center for Human Genetics Tuebingen
Classification: Likely benign. Last evaluated: 2023-06-01. Review status: criteria provided, single submitter. Criteria: CeGaT Center For Human Genetics Tuebingen Variant Classification Criteria Version 2. Collection method: clinical testing. Allele origin: germline. Affected: yes. Observed: 1 variant allele.
Comment: AGRN: BP4, BP7